The following is an entry in ClinVar:

NM_001104631.2(PDE4D):c.67G>C (p.Gly23Arg)

Gene: PDE4D (phosphodiesterase 4D; minus strand). Cytogenetic location: 5q12.1.
Variant type: single nucleotide variant.
Coding change: c.67G>C on transcript NM_001104631.2 (MANE Select); coding-DNA position 67, G replaced by C.
Protein change: p.Gly23Arg; replaces glycine 23 with arginine.
Molecular consequence: missense variant. On other transcripts: intron variant (5).
Genome position (GRCh38, 1-based): chr5:59,893,556, C>G on the plus strand (G>C on the coding strand, the complement: PDE4D is on the minus strand). VCF-style: chr5-59893556-C-G. GRCh37 (hg19) VCF-style: chr5-59189383-C-G.
Other names: c.272+94932G>C (NM_001364599.1, NM_001165899.2, NM_001364600.2); c.-240+94932G>C (NM_001349243.2); c.242+94932G>C (NM_001349241.2); short protein forms G23R.
Identifiers: ClinVar variation 2842920 (VCV002842920.3), dbSNP rs1751292562, ClinGen allele CA359933163.
Genomic context (GRCh38, chr5:59,893,556, plus strand): 5'-GCGGGTACTGGTGGTGCTGCTCGTGCCTCCAGAGATGCTTGGGGGCTTTGAGCGTGGCCC[C>G]GCCGGCGCTGTCGCTGCCCTCTCCGCTGCCCGCCCGGGCCGGCGCGCTGCTGCCCTCTGC-3'
Protein context (NP_001098101.1, residues 13-33): GSGEGSDSAG[Gly23Arg]ATLKAPKHLW

ClinVar aggregate classification (germline): Uncertain significance (1 of 4 stars; one submission).

Submission:

Labcorp Genetics (formerly Invitae), Labcorp
Classification: Uncertain significance. Last evaluated: 2023-03-04. Review status: criteria provided, single submitter. Criteria: Invitae Variant Classification Sherloc (09022015). Collection method: clinical testing. Allele origin: germline.
Comment: This sequence change replaces glycine, which is neutral and non-polar, with arginine, which is basic and polar, at codon 23 of the PDE4D protein (p.Gly23Arg). In summary, the available evidence is currently insufficient to determine the role of this variant in disease. Therefore, it has been classified as a Variant of Uncertain Significance. Experimental studies and prediction algorithms are not available or were not evaluated, and the functional significance of this variant is currently unknown. This variant has not been reported in the literature in individuals affected with PDE4D-related conditions. This variant is not present in population databases (gnomAD no frequency).